The following is an entry in ClinVar:

NM_005252.4(FOS):c.697C>G (p.Pro233Ala)

Gene: FOS (Fos proto-oncogene, AP-1 transcription factor subunit; plus strand). Cytogenetic location: 14q24.3.
Variant type: single nucleotide variant.
Coding change: c.697C>G on transcript NM_005252.4 (MANE Select); coding-DNA position 697, C replaced by G.
Protein change: p.Pro233Ala; replaces proline 233 with alanine.
Molecular consequence: missense variant.
Genome position (GRCh38, 1-based): chr14:75,280,978, C>G. VCF-style: chr14-75280978-C-G. GRCh37 (hg19) VCF-style: chr14-75747681-C-G.
Other names: short protein forms P233A.
Identifiers: ClinVar variation 714336 (VCV000714336.27), dbSNP rs143816008, ClinGen allele CA7277727.

ClinVar aggregate classification (germline): Likely benign. Review status: criteria provided, multiple submitters, no conflicts (2 of 4 stars). 2 submissions from 2 submitters: Likely benign (2). Last evaluated 2022-07-01.

Allele frequency attached by ClinVar (database versions not stated): gnomAD exomes 0.00010 and 0.00027; ExAC 0.00032; 1000 Genomes Project 30x 0.00062; 1000 Genomes Project 0.00080; gnomAD 0.00088 and 0.00093; ESP Exome Variant Server 0.00100; TOPMed 0.00111.
gnomAD v4.1: 286 of 1,614,154 alleles (0.018%); highest among the groups gnomAD compares: African/African-American, 0.33%; no homozygotes.

Submissions (2):

CeGaT Center for Human Genetics Tuebingen
Classification: Likely benign. Last evaluated: 2022-07-01. Review status: criteria provided, single submitter. Criteria: CeGaT Center For Human Genetics Tuebingen Variant Classification Criteria Version 2. Collection method: clinical testing. Allele origin: germline. Affected: yes. Observed: 1 variant allele.
Comment: FOS: BP4

Labcorp Genetics (formerly Invitae), Labcorp
Classification: Likely benign. Last evaluated: 2018-08-17. Review status: criteria provided, single submitter. Criteria: Invitae Variant Classification Sherloc (09022015). Collection method: clinical testing. Allele origin: germline.